The following is an entry in ClinVar:

NM_020320.5(RARS2):c.-13C>T

Gene: RARS2 (arginyl-tRNA synthetase 2, mitochondrial; minus strand). Cytogenetic location: 6q15.
Variant type: single nucleotide variant.
Coding change: c.-13C>T on transcript NM_020320.5 (MANE Select); 13 bases upstream of the start codon, C replaced by T.
Molecular consequence: 5 prime UTR variant. On other transcripts: non-coding transcript variant (23).
Genome position (GRCh38, 1-based): chr6:87,589,970, G>A on the plus strand (C>T on the coding strand, the complement: RARS2 is on the minus strand). VCF-style: chr6-87589970-G-A. GRCh37 (hg19) VCF-style: chr6-88299688-G-A.
Other names: c.-703C>T (NM_001318785.2); c.-13C>T (NM_001350505.2); c.-759C>T (NM_001350506.2, NM_001350510.2); c.-882C>T (NM_001350507.2); c.-921C>T (NM_001350508.2); c.-629C>T (NM_001350509.2); c.-878C>T (NM_001350511.2).
Identifiers: ClinVar variation 358241 (VCV000358241.6), dbSNP rs200228607, ClinGen allele CA3916874.
Genomic context (GRCh38, chr6:87,589,970, plus strand): 5'-CGGGATCCATACCTGGCAAGCAATAGCGCGGCGAAAGCCGCACGCCATGTCCACCTCTAC[G>A]GAAGTGCGCCGCAGTCCGCCAGTTCCGGCCTCGCCCCACCTCCTTATACGACCCGCCTCC-3'

ClinVar aggregate classification (germline): Benign/Likely benign. Review status: criteria provided, multiple submitters, no conflicts (2 of 4 stars). 3 submissions from 3 submitters: Benign (1); Likely benign (2). Last evaluated 2024-11-19.

Conditions:
Pontocerebellar hypoplasia type 6 (PCH6). Identifiers: Orphanet 166073, MedGen C1969084, MONDO:0012683, OMIM 611523.

Allele frequency attached by ClinVar (database versions not stated): gnomAD 0.00002 and 0.00029; ESP Exome Variant Server 0.00008; TOPMed 0.00011; gnomAD exomes 0.00135; ExAC 0.00146; 1000 Genomes Project 0.00260; 1000 Genomes Project 30x 0.00281.

Submissions (3):

Blueprint Genetics
Classification: Likely benign. Last evaluated: 2024-11-19. Review status: criteria provided, single submitter. Criteria: ACMG Guidelines, 2015. Collection method: clinical testing. Allele origin: germline.

GeneDx
Classification: Likely benign. Last evaluated: 2018-03-09. Review status: criteria provided, single submitter. Criteria: GeneDx Variant Classification (06012015). Collection method: clinical testing. Allele origin: germline. Affected: yes.
Comment: This variant is considered likely benign or benign based on one or more of the following criteria: it is a conservative change, it occurs at a poorly conserved position in the protein, it is predicted to be benign by multiple in silico algorithms, and/or has population frequency not consistent with disease.

Illumina Laboratory Services, Illumina
Classification: Benign for Pontocerebellar hypoplasia type 6. Last evaluated: 2018-01-13. Review status: criteria provided, single submitter. Criteria: ICSL Variant Classification Criteria 13 December 2019. Collection method: clinical testing. Allele origin: germline.
Comment: This variant was observed in the ICSL laboratory as part of a predisposition screen in an ostensibly healthy population. It had not been previously curated by ICSL or reported in the Human Gene Mutation Database (HGMD: prior to June 1st, 2018), and was therefore a candidate for classification through an automated scoring system. Utilizing variant allele frequency, disease prevalence and penetrance estimates, and inheritance mode, an automated score was calculated to assess if this variant is too frequent to cause the disease. Based on the score and internal cut-off values, a variant classified as benign is not then subjected to further curation. The score for this variant resulted in a classification of benign for this disease.